The following is an entry in ClinVar:

ClinVar aggregate classification (germline): Conflicting classifications of pathogenicity. Review status: criteria provided, conflicting classifications (1 of 4 stars). 2 submissions from 2 submitters: Uncertain significance (1); Likely benign (1). Last evaluated 2025-02-16.

Conditions:
Familial cold autoinflammatory syndrome 3 (FCAS3). Also called: FAMILIAL ATYPICAL COLD URTICARIA; ANTIBODY DEFICIENCY AND IMMUNE DYSREGULATION, PLCG2-ASSOCIATED. Identifiers: Orphanet 300359, MedGen C3280914, MONDO:0013766, OMIM 614468.

Allele frequency attached by ClinVar (database versions not stated): ExAC 0.00001; gnomAD exomes 0.00001.
gnomAD v4.1: 13 of 1,613,652 alleles (0.00081%); highest among the groups gnomAD compares: Non-Finnish European, 0.0011%; no homozygotes.

Submissions (2):

Labcorp Genetics (formerly Invitae), Labcorp
Classification: Uncertain significance for Familial cold autoinflammatory syndrome 3. Last evaluated: 2025-02-16. Review status: criteria provided, single submitter. Criteria: Invitae Variant Classification Sherloc (09022015). Collection method: clinical testing. Allele origin: germline.
Comment: This sequence change replaces serine, which is neutral and polar, with threonine, which is neutral and polar, at codon 1192 of the PLCG2 protein (p.Ser1192Thr). This variant is present in population databases (rs761797236, gnomAD 0.002%). This variant has not been reported in the literature in individuals affected with PLCG2-related conditions. ClinVar contains an entry for this variant (Variation ID: 1013109). An algorithm developed to predict the effect of missense changes on protein structure and function (PolyPhen-2) suggests that this variant is likely to be tolerated. In summary, the available evidence is currently insufficient to determine the role of this variant in disease. Therefore, it has been classified as a Variant of Uncertain Significance.

CeGaT Center for Human Genetics Tuebingen
Classification: Likely benign. Last evaluated: 2020-07-01. Review status: criteria provided, single submitter. Criteria: CeGaT Center For Human Genetics Tuebingen Variant Classification Criteria Version 2. Collection method: clinical testing. Allele origin: germline. Affected: yes. Observed: 2 variant alleles.

NM_002661.5(PLCG2):c.3575G>C (p.Ser1192Thr)

Gene: PLCG2 (phospholipase C gamma 2; plus strand). Cytogenetic location: 16q23.3.
Variant type: single nucleotide variant.
Coding change: c.3575G>C on transcript NM_002661.5 (MANE Select); coding-DNA position 3575, G replaced by C.
Protein change: p.Ser1192Thr; replaces serine 1192 with threonine.
Molecular consequence: missense variant.
Genome position (GRCh38, 1-based): chr16:81,956,699, G>C. VCF-style: chr16-81956699-G-C. GRCh37 (hg19) VCF-style: chr16-81990304-G-C.
Other names: short protein forms S1192T.
Identifiers: ClinVar variation 1013109 (VCV001013109.44), dbSNP rs761797236, ClinGen allele CA8194782.